The following is an entry in ClinVar:

ClinVar aggregate classification (germline): Pathogenic/Likely pathogenic. Review status: criteria provided, multiple submitters, no conflicts (2 of 4 stars). 3 submissions from 3 submitters: Pathogenic (2); Likely pathogenic (1). Last evaluated 2021-08-31.

Conditions:
Charcot-Marie-Tooth disease. Also called: Charcot-Marie-Tooth Neuropathy; Charcot-Marie-Tooth Hereditary Neuropathy. Identifiers: Orphanet 166, MedGen C0007959, MONDO:0015626.
Charcot-Marie-Tooth disease type 4D. Also called: CHARCOT-MARIE-TOOTH DISEASE, DEMYELINATING, AUTOSOMAL RECESSIVE, TYPE 4D; NEUROPATHY, HEREDITARY MOTOR AND SENSORY, LOM TYPE; Charcot-Marie-Tooth Neuropathy Type 4D; CHARCOT-MARIE-TOOTH DISEASE, DEMYELINATING, TYPE 4D. Identifiers: Orphanet 99950, MedGen C1832334, MONDO:0011085, OMIM 601455.

Submissions (3):

Revvity Omics, Revvity
Classification: Likely pathogenic for Charcot-Marie-Tooth disease type 4D. Last evaluated: 2021-08-31. Review status: criteria provided, single submitter. Criteria: ACMG Guidelines, 2015. Collection method: clinical testing. Allele origin: germline.

GeneDx
Classification: Pathogenic. Last evaluated: 2016-11-07. Review status: criteria provided, single submitter. Criteria: GeneDx Variant Classification (06012015). Collection method: clinical testing. Allele origin: germline. Affected: yes.
Comment: The c.681dupC pathogenic variant in the NDRG1 gene has not been reported previously as a pathogenic variant nor as a benign variant, to our knowledge. This variant causes a frameshift starting with codon Isoleucine 228, changes this amino acid to a Histidine residue, and creates a premature Stop codon at position 13 of the new reading frame, denoted p.Ile228HisfsX13. This variant is predicted to cause loss of normal protein function either through protein truncation or nonsense-mediated mRNA decay. The c.681dupC variant was not observed in approximately 6500 individuals of European and African American ancestry in the NHLBI Exome Sequencing Project, indicating it is not a common benign variant in these populations. We interpret c.681dupC as a pathogenic variant.

Molecular Genetics Laboratory, London Health Sciences Centre
Classification: Pathogenic for Charcot-Marie-Tooth disease. Review status: criteria provided, single submitter. Criteria: ACMG Guidelines, 2015. Collection method: clinical testing. Allele origin: germline. Affected: yes.

NM_006096.4(NDRG1):c.681dup (p.Ile228fs)

Gene: NDRG1 (N-myc downstream regulated 1; minus strand). Cytogenetic location: 8q24.22.
Variant type: Duplication.
Coding change: c.681dup on transcript NM_006096.4 (MANE Select); coding-DNA position 681, one base duplicated (C; older notation c.681dupC).
Protein change: p.Ile228fs; shifts the reading frame from isoleucine 228.
Molecular consequence: frameshift variant.
Genome position (GRCh38, 1-based): chr8:133,250,457, G duplicated on the plus strand (C on the coding strand, the reverse complement: NDRG1 is on the minus strand). VCF-style (leftmost placement, unchanged base first): chr8-133250456-T-TG. GRCh37 (hg19) VCF-style: chr8-134262699-T-TG.
Other names: c.681dup, p.Ile228fs (NM_001135242.2, NM_001374845.1, NM_001374846.1); c.483dup, p.Ile162fs (NM_001258432.2, NM_001374847.1); c.438dup, p.Ile147fs (NM_001258433.2); c.732dup, p.Ile245fs (NM_001374844.1); c.681dupC (NM_006096.3); short protein forms I162fs, I228fs, I147fs, I245fs.
Identifiers: ClinVar variation 246500 (VCV000246500.7), dbSNP rs879254290, ClinGen allele CA10584286.